The following is an entry in ClinVar:

ClinVar aggregate classification (germline): Conflicting classifications of pathogenicity. Review status: criteria provided, conflicting classifications (1 of 4 stars). 8 submissions from 8 submitters: Uncertain significance (6); Likely benign (2). Last evaluated 2026-01-29.

Conditions:
Hereditary cancer-predisposing syndrome. Also called: Hereditary neoplastic syndrome; Hereditary Cancer Syndrome; Neoplastic Syndromes, Hereditary; Tumor predisposition. Identifiers: Orphanet 140162, MedGen C0027672, MeSH D009386, MONDO:0015356.
Hereditary breast ovarian cancer syndrome. Also called: Hereditary breast and ovarian cancer syndrome; BRCA1- and BRCA2-Associated Hereditary Breast and Ovarian Cancer; Hereditary breast and/or ovarian cancer syndrome; Hereditary breast and ovarian cancer; Breast and ovarian cancer; Hereditary breast and ovarian cancer syndrome (HBOC). Identifiers: Orphanet 145, MedGen C0677776, MeSH D061325, MONDO:0003582. Disease mechanism: loss of function.
Breast-ovarian cancer, familial, susceptibility to, 2 (BROVCA2). Also called: BRCA2 Hereditary Breast and Ovarian Cancer. Identifiers: Orphanet 145, MedGen C2675520, MONDO:0012933, OMIM 612555. Disease mechanism: loss of function.

gnomAD v4.1: 5 of 1,595,592 alleles (0.00031%); highest among the groups gnomAD compares: East Asian, 0.011%; no homozygotes.

Submissions (8):

Labcorp Genetics (formerly Invitae), Labcorp
Classification: Uncertain significance for Hereditary breast ovarian cancer syndrome. Last evaluated: 2026-01-29. Review status: criteria provided, single submitter. Criteria: Invitae Variant Classification Sherloc (09022015). Collection method: clinical testing. Allele origin: germline.
Comment: This sequence change replaces lysine, which is basic and polar, with asparagine, which is neutral and polar, at codon 1440 of the BRCA2 protein (p.Lys1440Asn). This variant is present in population databases (rs769535925, gnomAD 0.02%). This missense change has been observed in individual(s) with BRCA2-related conditions (PMID: 19656164, 27124784, 31907386). ClinVar contains an entry for this variant (Variation ID: 418974). Invitae Evidence Modeling of protein sequence and biophysical properties (such as structural, functional, and spatial information, amino acid conservation, physicochemical variation, residue mobility, and thermodynamic stability) indicates that this missense variant is not expected to disrupt BRCA2 protein function with a negative predictive value of 95%. In summary, the available evidence is currently insufficient to determine the role of this variant in disease. Therefore, it has been classified as a Variant of Uncertain Significance.

Center for Genomic Medicine, Rigshospitalet, Copenhagen University Hospital
Classification: Likely benign. Last evaluated: 2025-03-04. Review status: criteria provided, single submitter. Criteria: ACMG Guidelines, 2015. Collection method: clinical testing. Allele origin: germline.

Ambry Genetics
Classification: Uncertain significance for Hereditary cancer-predisposing syndrome. Last evaluated: 2023-11-16. Review status: criteria provided, single submitter. Criteria: Ambry Variant Classification Scheme 2023. Collection method: clinical testing. Allele origin: germline.
Comment: The p.K1440N variant (also known as c.4320A>C), located in coding exon 10 of the BRCA2 gene, results from an A to C substitution at nucleotide position 4320. The lysine at codon 1440 is replaced by asparagine, an amino acid with similar properties. This alteration was observed with an allele frequency of 0.00014 unselected breast cancer patients and with an allele frequency of 0.00018 female controls of Japanese ancestry (Momozawa Y et al. Nat Commun. 2018 10;9:4083). This alteration has also been identified in multiple Korean individuals diagnosed with breast cancer (Seong MW et al. Clin Genet, 2009 Aug;76:152-60; Park KS et al. Genet. Med. 2016 12;18:1250-1257; Kim HN et al. Chonnam Med J, 2019 May;55:99-103). This amino acid position is not well conserved in available vertebrate species. In addition, this alteration is predicted to be tolerated by in silico analysis. Since supporting evidence is limited at this time, the clinical significance of this alteration remains unclear.

All of Us Research Program, National Institutes of Health
Classification: Uncertain significance for Breast-ovarian cancer, familial, susceptibility to, 2. Last evaluated: 2023-11-02. Review status: criteria provided, single submitter. Criteria: ACMG Guidelines, 2015. Collection method: clinical testing. Allele origin: germline. Inheritance: Autosomal dominant inheritance. Observed: 2 variant alleles, 2 heterozygotes.
Comment: This missense variant replaces lysine with asparagine at codon 1440 in the RAD51 binding domain of the BRCA2 protein. Computational prediction is inconclusive regarding the impact of this variant on protein structure and function (internally defined REVEL score threshold 0.5 < inconclusive < 0.7, PMID: 27666373). To our knowledge, functional studies have not been reported for this variant. This variant has been reported in breast, pancreatic and prostate cancer case-control studies in which this variant was detected in 1 cancer case and up to 5 unaffected individuals in each study (PMID: 19656164, 30287823, 31214711, 32980694) and this variant has also been detected in the general population in 4/242172 chromosomes by the Genome Aggregation Database (gnomAD). The available evidence is insufficient to determine the role of this variant in disease conclusively. Therefore, this variant is classified as a Variant of Uncertain Significance.

This study involves interpretation of variants in research participants for the purpose of population health screening. Participant phenotype was not available at the time of variant classification. Additional details can be found in publication PMID: 35346344, PMCID: PMC8962531

Color Diagnostics, LLC DBA Color Health
Classification: Uncertain significance for Hereditary cancer-predisposing syndrome. Last evaluated: 2023-10-11. Review status: criteria provided, single submitter. Criteria: ACMG Guidelines, 2015. Collection method: clinical testing. Allele origin: germline.
Comment: This missense variant replaces lysine with asparagine at codon 1440 in the RAD51 binding domain of the BRCA2 protein. Computational prediction is inconclusive regarding the impact of this variant on protein structure and function (internally defined REVEL score threshold 0.5 < inconclusive < 0.7, PMID: 27666373). To our knowledge, functional studies have not been reported for this variant. This variant has been reported in breast, pancreatic and prostate cancer case-control studies in which this variant was detected in 1 cancer case and up to 5 unaffected individuals in each study (PMID: 19656164, 30287823, 31214711, 32980694) and this variant has also been detected in the general population in 4/242172 chromosomes by the Genome Aggregation Database (gnomAD). The available evidence is insufficient to determine the role of this variant in disease conclusively. Therefore, this variant is classified as a Variant of Uncertain Significance.

University of Washington Department of Laboratory Medicine, University of Washington
Classification: Likely benign for Hereditary cancer-predisposing syndrome. Last evaluated: 2023-03-23. Review status: criteria provided, single submitter. Criteria: Dines et al. (Genet Med. 2020). Collection method: curation. Allele origin: germline.
Comment: Missense variant in a coldspot region where missense variants are very unlikely to be pathogenic (PMID:31911673).

BRCA2 exon 11 coldspot. Reclassification based on statistical prior probability.

GeneDx
Classification: Uncertain significance. Last evaluated: 2021-10-13. Review status: criteria provided, single submitter. Criteria: GeneDx Variant Classification Process June 2021. Collection method: clinical testing. Allele origin: germline. Affected: yes.
Comment: Not observed at significant frequency in large population cohorts (Lek 2016); In silico analysis supports that this missense variant has a deleterious effect on protein structure/function; Also known as 4548A>C; This variant is associated with the following publications: (PMID: 30287823, 19656164, 30415210, 28111427, 27124784, 22193408, 9002670, 31825140)

Women's Health and Genetics/Laboratory Corporation of America, LabCorp
Classification: Uncertain significance. Last evaluated: 2019-08-16. Review status: criteria provided, single submitter. Criteria: LabCorp Variant Classification Summary - May 2015. Collection method: clinical testing. Allele origin: germline.
Comment: Variant summary: BRCA2 c.4320A>C (p.Lys1440Asn) results in a non-conservative amino acid change in the encoded protein sequence, located in the third BRCA2 repeat domain, which is conserved and is involved in binding to Rad51 (IPR002093). Four of five in-silico tools predict a damaging effect of the variant on protein function. The variant allele was found at a frequency of 1.7-05 in 242172 control chromosomes, exclusively observed within the Korean subpopulation with a frequency of 0.00022 (4/3818) in the gnomAD database. The available data on variant occurrences in the general population are insufficient to allow any conclusion about variant significance. The variant, c.4320A>C, has been reported in the literature in Korean individuals affected with breast cancer (Seong_2009, Park_2017). These reports do not provide unequivocal conclusions about association of the variant with Hereditary Breast and Ovarian Cancer. To our knowledge, no experimental evidence demonstrating an impact on protein function has been reported. Two clinical diagnostic laboratories have submitted clinical-significance assessments for this variant to ClinVar after 2014 without evidence for independent evaluation and classified the variant as uncertain significance. Based on the evidence outlined above, the variant was classified as uncertain significance.

Literature cited by the submitters: PubMed 19656164 (cited by 5 submitters); PubMed 27124784 (cited by Labcorp Genetics (formerly Invitae), Labcorp and Ambry Genetics); PubMed 31907386 (cited by Labcorp Genetics (formerly Invitae), Labcorp); PubMed 28111427 (cited by Ambry Genetics and Women's Health and Genetics/Laboratory Corporation of America, LabCorp); PubMed 30287823 (cited by 3 submitters); PubMed 31161121 (cited by Ambry Genetics); PubMed 31214711 (cited by All of Us Research Program, National Institutes of Health and Color Diagnostics, LLC DBA Color Health); PubMed 32980694 (cited by All of Us Research Program, National Institutes of Health and Color Diagnostics, LLC DBA Color Health); PubMed 30415210 (cited by Women's Health and Genetics/Laboratory Corporation of America, LabCorp).

NM_000059.4(BRCA2):c.4320A>C (p.Lys1440Asn)

Gene: BRCA2 (BRCA2 DNA repair associated; plus strand). Cytogenetic location: 13q13.1.
Variant type: single nucleotide variant.
Coding change: c.4320A>C on transcript NM_000059.4 (MANE Select); coding-DNA position 4320, A replaced by C.
Protein change: p.Lys1440Asn; replaces lysine 1440 with asparagine.
Molecular consequence: missense variant.
Genome position (GRCh38, 1-based): chr13:32,338,675, A>C. VCF-style: chr13-32338675-A-C. GRCh37 (hg19) VCF-style: chr13-32912812-A-C.
Other names: short protein forms K1440N.
Identifiers: ClinVar variation 418974 (VCV000418974.25), dbSNP rs769535925, ClinGen allele CA6940771.